The following is an entry in ClinVar:

NM_004408.4(DNM1):c.1557+224C>T

Gene: DNM1 (dynamin 1; plus strand). Cytogenetic location: 9q34.11.
Variant type: single nucleotide variant.
Coding change: c.1557+224C>T on transcript NM_004408.4 (MANE Select); 224 bases into the intron after coding-DNA position 1557, C replaced by T.
Molecular consequence: intron variant.
Genome position (GRCh38, 1-based): chr9:128,240,220, C>T. VCF-style: chr9-128240220-C-T. GRCh37 (hg19) VCF-style: chr9-131002499-C-T.
Other names: c.1557+224C>T (NM_001005336.3, NM_001288738.2, NM_001288737.2 and 1 more transcripts).
Identifiers: ClinVar variation 677620 (VCV000677620.1), dbSNP rs56092842, ClinGen allele CA200360559.

ClinVar aggregate classification (germline): Benign (1 of 4 stars; one submission).

Allele frequency attached by ClinVar (database versions not stated): gnomAD 0.03647 and 0.03931; 1000 Genomes Project 0.03714; 1000 Genomes Project 30x 0.03998; TOPMed 0.04141.
gnomAD v4.1: 5,496 of 152,258 alleles (3.6%); highest among the groups gnomAD compares: African/African-American, 12%; 336 homozygotes.

Submission:

GeneDx
Classification: Benign. Last evaluated: 2018-06-14. Review status: criteria provided, single submitter. Criteria: GeneDx Variant Classification (06012015). Collection method: clinical testing. Allele origin: germline. Affected: yes.
Comment: This variant is considered likely benign or benign based on one or more of the following criteria: it is a conservative change, it occurs at a poorly conserved position in the protein, it is predicted to be benign by multiple in silico algorithms, and/or has population frequency not consistent with disease.